The following is an entry in ClinVar:

NM_001372.4(DNAH9):c.2747T>C (p.Leu916Pro)

Genes: DNAH9 (dynein axonemal heavy chain 9; plus strand), LOC126862505 (BRD4-independent group 4 enhancer GRCh37_chr17:11572478-11573677; plus strand). Cytogenetic location: 17p12.
Variant type: single nucleotide variant.
Coding change: c.2747T>C on transcript NM_001372.4 (MANE Select); coding-DNA position 2747, T replaced by C.
Protein change: p.Leu916Pro; replaces leucine 916 with proline.
Molecular consequence: missense variant.
Genome position (GRCh38, 1-based): chr17:11,669,079, T>C. VCF-style: chr17-11669079-T-C. GRCh37 (hg19) VCF-style: chr17-11572396-T-C.
Other names: short protein forms L916P.
Identifiers: ClinVar variation 2763528 (VCV002763528.3), dbSNP rs2544354273, ClinGen allele CA398181408.
Genomic context (GRCh38, chr17:11,669,079, plus strand): 5'-TTTATCCACTCTTTGTTTTGTTTGCTTGTTTTCTGTGTTTTTCAGAGTGTAAGGCAGGAC[T>C]TACCCCAATATTTGAAGCACAACTGAGTCTAGCCATCCCAGAGCTAGTTTTCTATCCGTC-3'
Protein context (NP_001363.2, residues 906-926): LLENTECKAG[Leu916Pro]TPIFEAQLSL

ClinVar aggregate classification (germline): Uncertain significance (1 of 4 stars; one submission).

gnomAD v4.1: 1 of 1,612,864 alleles (0.000062%); no homozygotes.

Submission:

Labcorp Genetics (formerly Invitae), Labcorp
Classification: Uncertain significance. Last evaluated: 2023-10-03. Review status: criteria provided, single submitter. Criteria: Invitae Variant Classification Sherloc (09022015). Collection method: clinical testing. Allele origin: germline.
Comment: This sequence change replaces leucine, which is neutral and non-polar, with proline, which is neutral and non-polar, at codon 916 of the DNAH9 protein (p.Leu916Pro). This variant is not present in population databases (gnomAD no frequency). This variant has not been reported in the literature in individuals affected with DNAH9-related conditions. An algorithm developed to predict the effect of missense changes on protein structure and function (PolyPhen-2) suggests that this variant is likely to be tolerated. In summary, the available evidence is currently insufficient to determine the role of this variant in disease. Therefore, it has been classified as a Variant of Uncertain Significance.